The following is an entry in ClinVar:

NM_018979.4(WNK1):c.5464G>A (p.Ala1822Thr)

Gene: WNK1 (WNK lysine deficient protein kinase 1; plus strand). Cytogenetic location: 12p13.33.
Variant type: single nucleotide variant.
Coding change: c.5464G>A on transcript NM_018979.4 (MANE Select); coding-DNA position 5464, G replaced by A.
Protein change: p.Ala1822Thr; replaces alanine 1822 with threonine.
Molecular consequence: missense variant.
Genome position (GRCh38, 1-based): chr12:890,468, G>A. VCF-style: chr12-890468-G-A. GRCh37 (hg19) VCF-style: chr12-999634-G-A.
Other names: c.6244G>A, p.Ala2082Thr (NM_001184985.2); c.4723G>A, p.Ala1575Thr (NM_014823.3); c.6220G>A, p.Ala2074Thr (NM_213655.5); short protein forms A2082T, A2074T, A1575T, A1822T.
Identifiers: ClinVar variation 1353470 (VCV001353470.8), dbSNP rs774513601, ClinGen allele CA231482996.

ClinVar aggregate classification (germline): Uncertain significance (1 of 4 stars; one submission).

Conditions:
Neuropathy, hereditary sensory and autonomic, type 2A (HSAN2A). Also called: WNK1-Related HSAN2 (HSAN2A); MORVAN DISEASE; NEUROPATHY, CONGENITAL SENSORY; NEUROPATHY, HEREDITARY SENSORY RADICULAR, AUTOSOMAL RECESSIVE; NEUROPATHY, HEREDITARY SENSORY, TYPE IIA; NEUROPATHY, PROGRESSIVE SENSORY, OF CHILDREN. Identifiers: Orphanet 970, MedGen C2752089, MONDO:0024309, OMIM 201300.
Pseudohypoaldosteronism type 2C (PHA2C). Also called: Pseudohypoaldosteronism Type IIC. Identifiers: Orphanet 757, Orphanet 88940, MedGen C1840391, MONDO:0013778, OMIM 614492.

Allele frequency attached by ClinVar (database versions not stated): gnomAD exomes below 0.00001; gnomAD 0.00001.
gnomAD v4.1: 3 of 1,614,038 alleles (0.00019%); highest among the groups gnomAD compares: Non-Finnish European, 0.00025%; no homozygotes.

Submission:

Labcorp Genetics (formerly Invitae), Labcorp
Classification: Uncertain significance for Neuropathy, hereditary sensory and autonomic, type 2A; Pseudohypoaldosteronism type 2C. Last evaluated: 2025-08-29. Review status: criteria provided, single submitter. Criteria: Invitae Variant Classification Sherloc (09022015). Collection method: clinical testing. Allele origin: germline.
Comment: This sequence change replaces alanine, which is neutral and non-polar, with threonine, which is neutral and polar, at codon 2074 of the WNK1 protein (p.Ala2074Thr). This variant is not present in population databases (gnomAD no frequency). This variant has not been reported in the literature in individuals affected with WNK1-related conditions. ClinVar contains an entry for this variant (Variation ID: 1353470). Invitae Evidence Modeling of protein sequence and biophysical properties (such as structural, functional, and spatial information, amino acid conservation, physicochemical variation, residue mobility, and thermodynamic stability) indicates that this missense variant is not expected to disrupt WNK1 protein function with a negative predictive value of 95%. In summary, the available evidence is currently insufficient to determine the role of this variant in disease. Therefore, it has been classified as a Variant of Uncertain Significance.